The following is an entry in ClinVar:

ClinVar aggregate classification (germline): Benign (1 of 4 stars; one submission).

Conditions:
Familial cancer of breast. Also called: BREAST CANCER, FAMILIAL; Hereditary breast cancer; hereditary breast carcinoma. Identifiers: Orphanet 227535, MedGen C0346153, MONDO:0016419, OMIM 114480. Disease mechanism: loss of function.

Submission:

Myriad Genetics, Inc.
Classification: Benign for Familial cancer of breast. Last evaluated: 2024-05-22. Review status: criteria provided, single submitter. Criteria: Myriad Autosomal Dominant, Autosomal Recessive and X-Linked Classification Criteria (2023). Collection method: clinical testing. Allele origin: unknown.
Comment: This variant is considered benign. This variant is a silent/synonymous amino acid change and it is not expected to impact splicing.

NM_000051.4(ATM):c.5143C>T (p.Leu1715=)

Gene: ATM (ATM serine/threonine kinase; plus strand). Cytogenetic location: 11q22.3.
Variant type: single nucleotide variant.
Coding change: c.5143C>T on transcript NM_000051.4 (MANE Select); coding-DNA position 5143, C replaced by T.
Protein change: p.Leu1715=; no amino-acid change (leucine 1715 retained).
Molecular consequence: synonymous variant.
Genome position (GRCh38, 1-based): chr11:108,299,851, C>T. VCF-style: chr11-108299851-C-T. GRCh37 (hg19) VCF-style: chr11-108170578-C-T.
Other names: c.5143C>T, p.Leu1715= (NM_001351834.2).
Identifiers: ClinVar variation 3254130 (VCV003254130.1), dbSNP rs2135892252.